The following is an entry in ClinVar:

NM_001008537.3(NEXMIF):c.2122G>A (p.Glu708Lys)

Gene: NEXMIF (neurite extension and migration factor; minus strand). Cytogenetic location: Xq13.3.
Variant type: single nucleotide variant.
Coding change: c.2122G>A on transcript NM_001008537.3 (MANE Select); coding-DNA position 2122, G replaced by A.
Protein change: p.Glu708Lys; replaces glutamic acid 708 with lysine.
Molecular consequence: missense variant.
Genome position (GRCh38, 1-based): chrX:74,742,435, C>T on the plus strand (G>A on the coding strand, the complement: NEXMIF is on the minus strand). VCF-style: chrX-74742435-C-T. GRCh37 (hg19) VCF-style: chrX-73962270-C-T.
Other names: short protein forms E708K.
Identifiers: ClinVar variation 1489719 (VCV001489719.6), dbSNP rs2147440464, ClinGen allele CA413668943.

ClinVar aggregate classification (germline): Uncertain significance (1 of 4 stars; one submission).

Submission:

Labcorp Genetics (formerly Invitae), Labcorp
Classification: Uncertain significance. Last evaluated: 2024-08-13. Review status: criteria provided, single submitter. Criteria: Invitae Variant Classification Sherloc (09022015). Collection method: clinical testing. Allele origin: germline.
Comment: This sequence change replaces glutamic acid, which is acidic and polar, with lysine, which is basic and polar, at codon 708 of the NEXMIF protein (p.Glu708Lys). This variant is not present in population databases (gnomAD no frequency). This variant has not been reported in the literature in individuals affected with NEXMIF-related conditions. ClinVar contains an entry for this variant (Variation ID: 1489719). An algorithm developed to predict the effect of missense changes on protein structure and function (PolyPhen-2) suggests that this variant is likely to be tolerated. In summary, the available evidence is currently insufficient to determine the role of this variant in disease. Therefore, it has been classified as a Variant of Uncertain Significance.